The following is an entry in ClinVar:

ClinVar aggregate classification (germline): Benign. Review status: criteria provided, multiple submitters, no conflicts (2 of 4 stars). 2 submissions from 2 submitters: Benign (2). Last evaluated 2018-06-19.

Allele frequency attached by ClinVar (database versions not stated): gnomAD exomes 0.06355; 1000 Genomes Project 0.07568; 1000 Genomes Project 30x 0.07901; gnomAD 0.09262 and 0.09639; TOPMed 0.09411.
gnomAD v4.1: 49,639 of 709,070 alleles (7%); highest among the groups gnomAD compares: African/African-American, 17%; 2,262 homozygotes.

Submissions (2):

GeneDx
Classification: Benign. Last evaluated: 2018-06-19. Review status: criteria provided, single submitter. Criteria: GeneDx Variant Classification (06012015). Collection method: clinical testing. Allele origin: germline. Affected: yes.
Comment: This variant is considered likely benign or benign based on one or more of the following criteria: it is a conservative change, it occurs at a poorly conserved position in the protein, it is predicted to be benign by multiple in silico algorithms, and/or has population frequency not consistent with disease.

Breakthrough Genomics
Classification: Benign. Review status: criteria provided, single submitter. Criteria: ACMG Guidelines, 2015. Collection method: not provided. Allele origin: germline. Inheritance: Autosomal recessive inheritance. Affected: yes.

NM_203447.4(DOCK8):c.4242-145G>C

Gene: DOCK8 (dedicator of cytokinesis 8; plus strand). Cytogenetic location: 9p24.3.
Variant type: single nucleotide variant.
Coding change: c.4242-145G>C on transcript NM_203447.4 (MANE Select); 145 bases into the intron before coding-DNA position 4242, G replaced by C.
Molecular consequence: intron variant.
Genome position (GRCh38, 1-based): chr9:426,740, G>C. VCF-style: chr9-426740-G-C. GRCh37 (hg19) VCF-style: chr9-426740-G-C.
Other names: c.4038-145G>C (NM_001193536.2); c.3942-145G>C (NM_001190458.2).
Identifiers: ClinVar variation 676854 (VCV000676854.2), dbSNP rs10974366, ClinGen allele CA13041958.
Genomic context (GRCh38, chr9:426,740, plus strand): 5'-AGGAAACCTTACCTAGACAGTTGTTTCGACAAGACATGAATCACAGAAGGCACCTGCACT[G>C]TAGTTACTCAGGGCCAGTTGCTCTGTTTTCATTTCAAGGTTGACTATTTTGGAGATTTCT-3'